The following is an entry in ClinVar:

NM_001384140.1(PCDH15):c.2396G>A (p.Arg799His)

Gene: PCDH15 (protocadherin related 15; minus strand). Cytogenetic location: 10q21.1.
Variant type: single nucleotide variant.
Coding change: c.2396G>A on transcript NM_001384140.1 (MANE Select); coding-DNA position 2396, G replaced by A.
Protein change: p.Arg799His; replaces arginine 799 with histidine.
Molecular consequence: missense variant.
Genome position (GRCh38, 1-based): chr10:54,023,022, C>T on the plus strand (G>A on the coding strand, the complement: PCDH15 is on the minus strand). VCF-style: chr10-54023022-C-T. GRCh37 (hg19) VCF-style: chr10-55782782-C-T.
Other names: c.2411G>A, p.Arg804His (NM_001142763.2, NM_001142771.2); c.2396G>A, p.Arg799His (NM_001142764.2, NM_001142766.2, NM_001142770.3 and 5 more transcripts); c.2183G>A, p.Arg728His (NM_001142765.2); c.2285G>A, p.Arg762His (NM_001142767.2); c.2330G>A, p.Arg777His (NM_001142768.2, NM_001142773.2, NM_001354404.2); c.2432G>A, p.Arg811His (NM_001142769.4); c.2417G>A, p.Arg806His (NM_001354411.2); short protein forms R799H, R728H, R811H, R804H, R806H, R762H, R777H.
Identifiers: ClinVar variation 229137 (VCV000229137.9), dbSNP rs199824864, ClinGen allele CA5506033.

ClinVar aggregate classification (germline): Uncertain significance. Review status: criteria provided, multiple submitters, no conflicts (2 of 4 stars). 5 submissions from 5 submitters: Uncertain significance (4). 1 of the submissions does not count toward it. Last evaluated 2024-02-26.

Conditions:
Usher syndrome type 1F (USH1F). Also called: USHER SYNDROME, TYPE IF. Identifiers: Orphanet 231169, Orphanet 886, MedGen C1865885, MONDO:0011186, OMIM 602083.

Allele frequency attached by ClinVar (database versions not stated): ExAC 0.00001; gnomAD exomes 0.00001; gnomAD 0.00002 and 0.00003; TOPMed 0.00003.
gnomAD v4.1: 13 of 1,613,796 alleles (0.00081%); highest among the groups gnomAD compares: African/African-American, 0.008%; no homozygotes.

Submissions (5):

GeneDx
Classification: Uncertain significance. Last evaluated: 2024-02-26. Review status: criteria provided, single submitter. Criteria: GeneDx Variant Classification Process June 2021. Collection method: clinical testing. Allele origin: germline. Affected: yes.
Comment: In silico analysis supports that this missense variant has a deleterious effect on protein structure/function; Has not been previously published as pathogenic or benign to our knowledge

Labcorp Genetics (formerly Invitae), Labcorp
Classification: Uncertain significance. Last evaluated: 2022-08-06. Review status: criteria provided, single submitter. Criteria: Invitae Variant Classification Sherloc (09022015). Collection method: clinical testing. Allele origin: germline.
Comment: This sequence change replaces arginine, which is basic and polar, with histidine, which is basic and polar, at codon 799 of the PCDH15 protein (p.Arg799His). This variant is present in population databases (rs199824864, gnomAD 0.02%). This variant has not been reported in the literature in individuals affected with PCDH15-related conditions. ClinVar contains an entry for this variant (Variation ID: 229137). Algorithms developed to predict the effect of missense changes on protein structure and function are either unavailable or do not agree on the potential impact of this missense change (SIFT: "Tolerated"; PolyPhen-2: "Probably Damaging"; Align-GVGD: "Class C0"). In summary, the available evidence is currently insufficient to determine the role of this variant in disease. Therefore, it has been classified as a Variant of Uncertain Significance.

Laboratory for Molecular Medicine, Mass General Brigham Personalized Medicine
Classification: Uncertain significance. Last evaluated: 2015-02-26. Review status: criteria provided, single submitter. Criteria: LMM Criteria. Collection method: clinical testing. Allele origin: germline. Observed: 1 variant allele.
Comment: The p.Arg799His variant in PCDH15 has not been previously reported in individual s with Usher syndrome. This variant has been identified in 1/10402 African chrom osomes by the Exome Aggregation Consortium (ExAC ; dbSNP rs199824864). Computational prediction tools and conservation analyses d o not provide strong support for or against an impact to the protein. In summary , the clinical significance of the p.Arg799His variant is uncertain.

Breakthrough Genomics
Classification: Uncertain significance. Review status: criteria provided, single submitter. Criteria: ACMG Guidelines, 2015. Collection method: not provided. Allele origin: germline. Inheritance: Autosomal recessive inheritance. Affected: yes.

Natera, Inc.
Classification: Uncertain significance for Usher syndrome type 1F. Last evaluated: 2019-11-11. Review status: no assertion criteria provided. Collection method: clinical testing. Allele origin: germline. Not counted in ClinVar's aggregate classification.